The following is an entry in ClinVar:

NM_007294.4(BRCA1):c.4556A>G (p.Asn1519Ser)

Gene: BRCA1 (BRCA1 DNA repair associated; minus strand). Cytogenetic location: 17q21.31.
Variant type: single nucleotide variant.
Coding change: c.4556A>G on transcript NM_007294.4 (MANE Select); coding-DNA position 4556, A replaced by G.
Protein change: p.Asn1519Ser; replaces asparagine 1519 with serine.
Molecular consequence: missense variant. On other transcripts: intron variant (3).
Genome position (GRCh38, 1-based): chr17:43,074,450, T>C on the plus strand (A>G on the coding strand, the complement: BRCA1 is on the minus strand). VCF-style: chr17-43074450-T-C. GRCh37 (hg19) VCF-style: chr17-41226467-T-C.
Other names: c.4430A>G, p.Asn1477Ser (NM_001407675.1, NM_001407676.1, NM_001407677.1 and 11 more transcripts); c.4427A>G, p.Asn1476Ser (NM_001407681.1, NM_001407682.1, NM_001407683.1 and 6 more transcripts); c.4556A>G, p.Asn1519Ser (NM_001407684.1, NM_001407854.1, NM_001407593.1 and 8 more transcripts); c.4424A>G, p.Asn1475Ser (NM_001407690.1, NM_001407691.1); c.4415A>G, p.Asn1472Ser (NM_001407692.1, NM_001407694.1, NM_001407695.1 and 13 more transcripts); c.4412A>G, p.Asn1471Ser (NM_001407732.1, NM_001407733.1, NM_001407734.1 and 21 more transcripts); c.4409A>G, p.Asn1470Ser (NM_001407838.1, NM_001407839.1, NM_001407841.1 and 12 more transcripts); c.4553A>G, p.Asn1518Ser (NM_001407858.1, NM_001407859.1, NM_001407860.1 and 17 more transcripts); and 71 more; short protein forms N1222S, N1223S, N1350S, N1390S, N1391S, N1392S, N1406S, N1407S.
Identifiers: ClinVar variation 4539184 (VCV004539184.1).

ClinVar aggregate classification (germline): Likely benign (1 of 4 stars; one submission).

gnomAD v4.1: 2 of 1,614,172 alleles (0.00012%); no homozygotes.

Submission:

Center for Genomic Medicine, Rigshospitalet, Copenhagen University Hospital
Classification: Likely benign. Last evaluated: 2025-12-29. Review status: criteria provided, single submitter. Criteria: ACMG Guidelines, 2015. Collection method: clinical testing. Allele origin: germline.
Comment: Classification criteria: BP1_strong